The following is an entry in ClinVar:

ClinVar aggregate classification (germline): Uncertain significance (1 of 4 stars; one submission).

Conditions:
Hereditary cancer-predisposing syndrome. Also called: Tumor predisposition; Neoplastic Syndromes, Hereditary; Hereditary Cancer Syndrome; Hereditary neoplastic syndrome. Identifiers: Orphanet 140162, MedGen C0027672, MeSH D009386, MONDO:0015356.

Submission:

Ambry Genetics
Classification: Uncertain significance for Hereditary cancer-predisposing syndrome. Last evaluated: 2025-01-13. Review status: criteria provided, single submitter. Criteria: Ambry Variant Classification Scheme 2023. Collection method: clinical testing. Allele origin: germline.
Comment: The p.V264I variant (also known as c.790G>A), located in coding exon 1 of the MET gene, results from a G to A substitution at nucleotide position 790. The valine at codon 264 is replaced by isoleucine, an amino acid with highly similar properties. This amino acid position is conserved. In addition, this alteration is predicted to be tolerated by in silico analysis. Based on the available evidence, the clinical significance of this variant remains unclear.

NM_000245.4(MET):c.790G>A (p.Val264Ile)

Gene: MET (MET proto-oncogene, receptor tyrosine kinase; plus strand). Cytogenetic location: 7q31.2.
Variant type: single nucleotide variant.
Coding change: c.790G>A on transcript NM_000245.4 (MANE Select); coding-DNA position 790, G replaced by A.
Protein change: p.Val264Ile; replaces valine 264 with isoleucine.
Molecular consequence: missense variant. On other transcripts: intron variant (1).
Genome position (GRCh38, 1-based): chr7:116,699,874, G>A. VCF-style: chr7-116699874-G-A. GRCh37 (hg19) VCF-style: chr7-116339928-G-A.
Other names: c.790G>A, p.Val264Ile (NM_001127500.3, NM_001324401.3); c.-91+27297G>A (NM_001324402.2); short protein forms V264I.
Identifiers: ClinVar variation 3872365 (VCV003872365.1).
Genomic context (GRCh38, chr7:116,699,874, plus strand): 5'-TCTTACCCCATTAAGTATGTCCATGCCTTTGAAAGCAACAATTTTATTTACTTCTTGACG[G>A]TCCAAAGGGAAACTCTAGATGCTCAGACTTTTCACACAAGAATAATCAGGTTCTGTTCCA-3'
Protein context (NP_000236.2, residues 254-274): ESNNFIYFLT[Val264Ile]QRETLDAQTF